The following is an entry in ClinVar:

NM_000059.4(BRCA2):c.388G>A (p.Val130Ile)

Gene: BRCA2 (BRCA2 DNA repair associated; plus strand). Cytogenetic location: 13q13.1.
Variant type: single nucleotide variant.
Coding change: c.388G>A on transcript NM_000059.4 (MANE Select); coding-DNA position 388, G replaced by A.
Protein change: p.Val130Ile; replaces valine 130 with isoleucine.
Molecular consequence: missense variant.
Genome position (GRCh38, 1-based): chr13:32,325,147, G>A. VCF-style: chr13-32325147-G-A. GRCh37 (hg19) VCF-style: chr13-32899284-G-A.
Other names: short protein forms V130I.
Identifiers: ClinVar variation 628896 (VCV000628896.14), dbSNP rs1566218197, ClinGen allele CA387756671.
Genomic context (GRCh38, chr13:32,325,147, plus strand): 5'-CCCAATAGTAGACATAAAAGTCTTCGCACAGTGAAAACTAAAATGGATCAAGCAGATGAT[G>A]TTTCCTGTCCACTTCTAAATTCTTGTCTTAGTGAAAGGTATGATGAAGCTATTATATTAA-3'
Protein context (NP_000050.3, residues 120-140): VKTKMDQADD[Val130Ile]SCPLLNSCLS

ClinVar aggregate classification (germline): Uncertain significance. Review status: criteria provided, multiple submitters, no conflicts (2 of 4 stars). 4 submissions from 4 submitters: Uncertain significance (4). Last evaluated 2025-11-30.

Conditions:
Hereditary cancer-predisposing syndrome. Also called: Neoplastic Syndromes, Hereditary; Tumor predisposition; Hereditary neoplastic syndrome; Hereditary Cancer Syndrome. Identifiers: Orphanet 140162, MedGen C0027672, MeSH D009386, MONDO:0015356.
Familial cancer of breast. Also called: BREAST CANCER, FAMILIAL; Hereditary breast cancer; hereditary breast carcinoma. Identifiers: Orphanet 227535, MedGen C0346153, MONDO:0016419, OMIM 114480. Disease mechanism: loss of function.
Hereditary breast ovarian cancer syndrome. Also called: Hereditary breast and ovarian cancer syndrome; Hereditary breast and ovarian cancer; Hereditary breast and ovarian cancer syndrome (HBOC); Breast and ovarian cancer; Hereditary breast and/or ovarian cancer syndrome; BRCA1- and BRCA2-Associated Hereditary Breast and Ovarian Cancer. Identifiers: Orphanet 145, MedGen C0677776, MeSH D061325, MONDO:0003582. Disease mechanism: loss of function.

Submissions (4):

Ambry Genetics
Classification: Uncertain significance for Hereditary cancer-predisposing syndrome. Last evaluated: 2025-11-30. Review status: criteria provided, single submitter. Criteria: Ambry Variant Classification Scheme 2023. Collection method: clinical testing. Allele origin: germline.
Comment: The p.V130I variant (also known as c.388G>A), located in coding exon 3 of the BRCA2 gene, results from a G to A substitution at nucleotide position 388. The valine at codon 130 is replaced by isoleucine, an amino acid with highly similar properties. This amino acid position is well conserved in available vertebrate species. In addition, this alteration is predicted to be tolerated by in silico analysis. Since supporting evidence is limited at this time, the clinical significance of this alteration remains unclear.

Labcorp Genetics (formerly Invitae), Labcorp
Classification: Uncertain significance for Hereditary breast ovarian cancer syndrome. Last evaluated: 2024-03-06. Review status: criteria provided, single submitter. Criteria: Invitae Variant Classification Sherloc (09022015). Collection method: clinical testing. Allele origin: germline.
Comment: This sequence change replaces valine, which is neutral and non-polar, with isoleucine, which is neutral and non-polar, at codon 130 of the BRCA2 protein (p.Val130Ile). This variant is not present in population databases (gnomAD no frequency). This missense change has been observed in individual(s) with breast cancer (PMID: 31465090). ClinVar contains an entry for this variant (Variation ID: 628896). Advanced modeling of protein sequence and biophysical properties (such as structural, functional, and spatial information, amino acid conservation, physicochemical variation, residue mobility, and thermodynamic stability) performed at Invitae indicates that this missense variant is not expected to disrupt BRCA2 protein function with a negative predictive value of 95%. In summary, the available evidence is currently insufficient to determine the role of this variant in disease. Therefore, it has been classified as a Variant of Uncertain Significance.

Baylor Genetics
Classification: Uncertain significance for Familial cancer of breast. Last evaluated: 2024-02-25. Review status: criteria provided, single submitter. Criteria: ACMG Guidelines, 2015. Collection method: clinical testing. Allele origin: unknown.

Color Diagnostics, LLC DBA Color Health
Classification: Uncertain significance for Hereditary cancer-predisposing syndrome. Last evaluated: 2019-04-14. Review status: criteria provided, single submitter. Criteria: ACMG Guidelines, 2015. Collection method: clinical testing. Allele origin: germline.

Literature cited by the submitters: PubMed 31465090 (cited by Labcorp Genetics (formerly Invitae), Labcorp).